The following is an entry in ClinVar:

NM_001111.5(ADAR):c.2641A>G (p.Met881Val)

Genes: ADAR (adenosine deaminase RNA specific; minus strand), LOC126805874 (CDK7 strongly-dependent group 2 enhancer GRCh37_chr1:154561176-154562375; plus strand). Cytogenetic location: 1q21.3.
Variant type: single nucleotide variant.
Coding change: c.2641A>G on transcript NM_001111.5 (MANE Select); coding-DNA position 2641, A replaced by G.
Protein change: p.Met881Val; replaces methionine 881 with valine.
Molecular consequence: missense variant.
Genome position (GRCh38, 1-based): chr1:154,589,784, T>C on the plus strand (A>G on the coding strand, the complement: ADAR is on the minus strand). VCF-style: chr1-154589784-T-C. GRCh37 (hg19) VCF-style: chr1-154562260-T-C.
Other names: c.1756A>G, p.Met586Val (NM_001025107.3, NM_001193495.2, NM_001365046.1 and 2 more transcripts); c.2668A>G, p.Met890Val (NM_001365045.1); c.1678A>G, p.Met560Val (NM_001365049.1); c.2563A>G, p.Met855Val (NM_015840.4); c.2506A>G, p.Met836Val (NM_015841.4); short protein forms M560V, M586V, M836V, M855V, M881V, M890V.
Identifiers: ClinVar variation 3754452 (VCV003754452.2).

ClinVar aggregate classification (germline): Uncertain significance (1 of 4 stars; one submission).

Conditions:
Symmetrical dyschromatosis of extremities (DSH). Also called: RETICULATE ACROPIGMENTATION OF DOHI; SYMMETRIC DYSCHROMATOSIS OF THE EXTREMITIES; Dyschromatosis symmetrica hereditaria; DYSCHROMATOSIS SYMMETRICA HEREDITARIA 1. Identifiers: Orphanet 41, MedGen C0406775, MONDO:0007483, OMIM 127400.
Aicardi-Goutieres syndrome 6 (AGS6). Identifiers: Orphanet 51, MedGen C3539013, MONDO:0014007, OMIM 615010.

Submission:

Labcorp Genetics (formerly Invitae), Labcorp
Classification: Uncertain significance for Aicardi-Goutieres syndrome 6; Symmetrical dyschromatosis of extremities. Last evaluated: 2024-02-06. Review status: criteria provided, single submitter. Criteria: Invitae Variant Classification Sherloc (09022015). Collection method: clinical testing. Allele origin: germline.
Comment: This sequence change replaces methionine, which is neutral and non-polar, with valine, which is neutral and non-polar, at codon 881 of the ADAR protein (p.Met881Val). This variant is not present in population databases (gnomAD no frequency). This variant has not been reported in the literature in individuals affected with ADAR-related conditions. Advanced modeling of protein sequence and biophysical properties (such as structural, functional, and spatial information, amino acid conservation, physicochemical variation, residue mobility, and thermodynamic stability) performed at Invitae indicates that this missense variant is not expected to disrupt ADAR protein function with a negative predictive value of 80%. In summary, the available evidence is currently insufficient to determine the role of this variant in disease. Therefore, it has been classified as a Variant of Uncertain Significance.